The following is an entry in ClinVar:

ClinVar aggregate classification (germline): Uncertain significance (1 of 4 stars; one submission).

Conditions:
Cardiomyopathy (CMYO). Also called: Cardiomyopathies. Identifiers: Orphanet 167848, MedGen C0878544, MONDO:0004994, HP:0001638. Inheritance: Various modes of inheritance.

Submission:

All of Us Research Program, National Institutes of Health
Classification: Uncertain significance for Cardiomyopathy. Last evaluated: 2023-11-20. Review status: criteria provided, single submitter. Criteria: ACMG Guidelines, 2015. Collection method: clinical testing. Allele origin: germline. Inheritance: Autosomal dominant inheritance. Observed: 1 variant allele, 1 heterozygote.
Comment: This missense variant replaces alanine with serine at codon 220 of the TNNT2 protein. Computational prediction suggests that this variant may not impact protein structure and function (internally defined REVEL score threshold <= 0.5, PMID: 27666373). To our knowledge, functional studies have not been reported for this variant. This variant has not been reported in individuals affected with TNNT2-related disorders in the literature. This variant has not been identified in the general population by the Genome Aggregation Database (gnomAD). The available evidence is insufficient to determine the role of this variant in disease conclusively. Therefore, this variant is classified as a Variant of Uncertain Significance.

This study involves interpretation of variants in research participants for the purpose of population health screening. Participant phenotype was not available at the time of variant classification. Additional details can be found in publication PMID: 35346344, PMCID: PMC8962531

NM_001276345.2(TNNT2):c.688G>T (p.Ala230Ser)

Gene: TNNT2 (troponin T2, cardiac type; minus strand). Cytogenetic location: 1q32.1.
Variant type: single nucleotide variant.
Coding change: c.688G>T on transcript NM_001276345.2 (MANE Select); coding-DNA position 688, G replaced by T.
Protein change: p.Ala230Ser; replaces alanine 230 with serine.
Molecular consequence: missense variant.
Genome position (GRCh38, 1-based): chr1:201,361,944, C>A on the plus strand (G>T on the coding strand, the complement: TNNT2 is on the minus strand). VCF-style: chr1-201361944-C-A. GRCh37 (hg19) VCF-style: chr1-201331072-C-A.
Other names: c.679G>T, p.Ala227Ser (NM_000364.4, NM_001406723.1); c.658G>T, p.Ala220Ser (NM_001001430.3, NM_001276347.2, NM_001406724.1); c.649G>T, p.Ala217Ser (NM_001001431.3, NM_001406726.1, NM_001406727.1); c.640G>T, p.Ala214Ser (NM_001001432.3); c.559G>T, p.Ala187Ser (NM_001276346.2); c.655G>T, p.Ala219Ser (NM_001406725.1); c.643G>T, p.Ala215Ser (NM_001406728.1); short protein forms A187S, A214S, A215S, A217S, A219S, A220S, A227S, A230S.
Identifiers: ClinVar variation 3074506 (VCV003074506.1), dbSNP rs2526940647, ClinGen allele CA344203626.